The following is an entry in ClinVar:

NM_002880.4(RAF1):c.937C>T (p.Pro313Ser)

Gene: RAF1 (Raf-1 proto-oncogene, serine/threonine kinase; minus strand). Cytogenetic location: 3p25.2.
Variant type: single nucleotide variant.
Coding change: c.937C>T on transcript NM_002880.4 (MANE Select); coding-DNA position 937, C replaced by T.
Protein change: p.Pro313Ser; replaces proline 313 with serine.
Molecular consequence: missense variant. On other transcripts: non-coding transcript variant (3).
Genome position (GRCh38, 1-based): chr3:12,600,205, G>A on the plus strand (C>T on the coding strand, the complement: RAF1 is on the minus strand). VCF-style: chr3-12600205-G-A. GRCh37 (hg19) VCF-style: chr3-12641704-G-A.
Other names: c.997C>T, p.Pro333Ser (NM_001354689.3); c.937C>T, p.Pro313Ser (NM_001354690.3); c.694C>T, p.Pro232Ser (NM_001354691.3, NM_001354692.3); c.838C>T, p.Pro280Ser (NM_001354693.3); c.754C>T, p.Pro252Ser (NM_001354694.3); c.595C>T, p.Pro199Ser (NM_001354695.3); short protein forms P333S, P232S, P313S, P199S, P280S, P252S.
Identifiers: ClinVar variation 3786596 (VCV003786596.2).

ClinVar aggregate classification (germline): Uncertain significance. Review status: criteria provided, multiple submitters, no conflicts (2 of 4 stars). 2 submissions from 2 submitters: Uncertain significance (2). Last evaluated 2025-01-13.

Conditions:
Cardiovascular phenotype. Identifiers: MedGen CN230736.

Submissions (2):

Ambry Genetics
Classification: Uncertain significance for Cardiovascular phenotype. Last evaluated: 2025-01-13. Review status: criteria provided, single submitter. Criteria: Ambry Variant Classification Scheme 2023. Collection method: clinical testing. Allele origin: germline.
Comment: The p.P313S variant (also known as c.937C>T), located in coding exon 8 of the RAF1 gene, results from a C to T substitution at nucleotide position 937. The proline at codon 313 is replaced by serine, an amino acid with similar properties. This amino acid position is conserved. In addition, the in silico prediction for this alteration is inconclusive. Based on the available evidence, the clinical significance of this variant remains unclear.

GeneDx
Classification: Uncertain significance. Last evaluated: 2024-12-18. Review status: criteria provided, single submitter. Criteria: GeneDx Variant Classification Process June 2021. Collection method: clinical testing. Allele origin: germline. Affected: yes.
Comment: Not observed at significant frequency in large population cohorts (gnomAD); Missense variants in this gene are a common cause of disease and they are underrepresented in the general population; In silico analysis indicates that this missense variant does not alter protein structure/function; Has not been previously published as pathogenic or benign to our knowledge